The following is an entry in ClinVar:

NM_001378454.1(ALMS1):c.6016G>A (p.Asp2006Asn)

Gene: ALMS1 (ALMS1 centrosome and basal body associated protein; plus strand). Cytogenetic location: 2p13.1.
Variant type: single nucleotide variant.
Coding change: c.6016G>A on transcript NM_001378454.1 (MANE Select); coding-DNA position 6016, G replaced by A.
Protein change: p.Asp2006Asn; replaces aspartic acid 2006 with asparagine.
Molecular consequence: missense variant.
Genome position (GRCh38, 1-based): chr2:73,452,543, G>A. VCF-style: chr2-73452543-G-A. GRCh37 (hg19) VCF-style: chr2-73679670-G-A.
Other names: c.6019G>A, p.Asp2007Asn (NM_015120.4); short protein forms D2007N, D2006N.
Identifiers: ClinVar variation 1363436 (VCV001363436.5), dbSNP rs1671968768, ClinGen allele CA347284430.
Genomic context (GRCh38, chr2:73,452,543, plus strand): 5'-AGTTCCTACTCACATTCACATAAAGAGAAACTCAAGATTTCAACTGTGCATATACCAGAT[G>A]ACCAGAAAACTGAGTTTCCAGCAGCTACCCTTAGTTCCTACTCACAAATAGAGAAGCCCA-3'
Protein context (NP_001365383.1, residues 1996-2016): LKISTVHIPD[Asp2006Asn]QKTEFPAATL

ClinVar aggregate classification (germline): Uncertain significance. Review status: criteria provided, multiple submitters, no conflicts (2 of 4 stars). 3 submissions from 3 submitters: Uncertain significance (3). Last evaluated 2023-07-03.

Conditions:
Alstrom syndrome (ALMS). Identifiers: Orphanet 64, MedGen C0268425, MONDO:0008763, OMIM 203800.
Cardiovascular phenotype. Identifiers: MedGen CN230736.

Allele frequency attached by ClinVar (database versions not stated): TOPMed below 0.00001; gnomAD exomes 0.00001.
gnomAD v4.1: 7 of 1,614,030 alleles (0.00043%); highest among the groups gnomAD compares: African/African-American, 0.0013%; no homozygotes.

Submissions (3):

Ambry Genetics
Classification: Uncertain significance for Cardiovascular phenotype. Last evaluated: 2023-07-03. Review status: criteria provided, single submitter. Criteria: Ambry Variant Classification Scheme 2023. Collection method: clinical testing. Allele origin: germline.
Comment: The p.D2007N variant (also known as c.6019G>A), located in coding exon 8 of the ALMS1 gene, results from a G to A substitution at nucleotide position 6019. The aspartic acid at codon 2007 is replaced by asparagine, an amino acid with highly similar properties. This amino acid position is not well conserved in available vertebrate species. In addition, this alteration is predicted to be tolerated by in silico analysis. Since supporting evidence is limited at this time, the clinical significance of this alteration remains unclear.

Labcorp Genetics (formerly Invitae), Labcorp
Classification: Uncertain significance for Alstrom syndrome. Last evaluated: 2022-07-12. Review status: criteria provided, single submitter. Criteria: Invitae Variant Classification Sherloc (09022015). Collection method: clinical testing. Allele origin: germline.
Comment: This sequence change replaces aspartic acid with asparagine at codon 2007 of the ALMS1 protein (p.Asp2007Asn). The aspartic acid residue is weakly conserved and there is a small physicochemical difference between aspartic acid and asparagine. This variant is not present in population databases (gnomAD no frequency). This variant has not been reported in the literature in individuals affected with ALMS1-related conditions. ClinVar contains an entry for this variant (Variation ID: 1363436). Experimental studies and prediction algorithms are not available or were not evaluated, and the functional significance of this variant is currently unknown. In summary, the available evidence is currently insufficient to determine the role of this variant in disease. Therefore, it has been classified as a Variant of Uncertain Significance.

Fulgent Genetics
Classification: Uncertain significance for Alstrom syndrome. Last evaluated: 2022-01-07. Review status: criteria provided, single submitter. Criteria: ACMG Guidelines, 2015. Collection method: clinical testing. Allele origin: unknown.